The following is an entry in ClinVar:

ClinVar aggregate classification (germline): Likely benign. Review status: reviewed by expert panel (3 of 4 stars). 2 submissions from 2 submitters: Likely benign (1). 1 of the submissions does not count toward it. Last evaluated 2026-05-04.

Conditions:
Hereditary thrombocytopenia and hematologic cancer predisposition syndrome. Identifiers: Orphanet 71290, MedGen CN281654, MONDO:0011071.
Hereditary thrombocytopenia and hematological cancer predisposition syndrome associated with RUNX1. Also called: RUNX1 Familial Platelet Disorder with Associated Myeloid Malignancies; Familial Platelet Disorder with Propensity to Acute Myelogenous Leukemia; Familial thrombocytopenia with propensity to acute myelogenous leukemia; PLATELET DISORDER, ASPIRIN-LIKE. Identifiers: Orphanet 71290, MedGen C1832388, MeSH C563324, MONDO:0100083, OMIM 601399.

Submissions (2):

ClinGen Myeloid Malignancy Variant Curation Expert Panel
Classification: Likely benign for Hereditary thrombocytopenia and hematologic cancer predisposition syndrome. Last evaluated: 2026-05-04. Review status: reviewed by expert panel. Criteria: ClinGen MyeloMalig ACMG Specifications V3.1. Collection method: curation. Allele origin: germline. Inheritance: Autosomal dominant inheritance.
Comment: NM_001754.5(RUNX1):c.614-25_614-16dup is an intronic variant which has a SpliceAI score ≤ 0.20 (0.02) (BP4, BP7). This variant is completely absent from all population databases with at least 20x coverage for RUNX1 (PM2_supporting). In summary, this variant meets criteria to be classified as likely benign. ACMG/AMP criteria applied, as specified by the Myeloid Malignancy Variant Curation Expert Panel for RUNX1: BP4, BP7, PM2_supporting.

Labcorp Genetics (formerly Invitae), Labcorp
Classification: Likely benign for Hereditary thrombocytopenia and hematological cancer predisposition syndrome associated with RUNX1. Last evaluated: 2023-04-04. Review status: criteria provided, single submitter. Criteria: Invitae Variant Classification Sherloc (09022015). Collection method: clinical testing. Allele origin: germline. Not counted in ClinVar's aggregate classification.

NM_001754.5(RUNX1):c.614-25CTCCC[4]

Gene: RUNX1 (RUNX family transcription factor 1; minus strand). Cytogenetic location: 21q22.12.
Variant type: Microsatellite.
Coding change: c.614-25CTCCC[4] on transcript NM_001754.5 (MANE Select); four copies in a row of the 5-base unit CTCCC starting at c.614-25; the reference has two copies in a row; two copies, 10 bases duplicated.
Molecular consequence: intron variant.
Genome position (GRCh38, 1-based): chr21:34,834,617-34,834,626, GGGAGGGGAG duplicated on the plus strand (CTCCCCTCCC on the coding strand, the reverse complement: RUNX1 is on the minus strand); duplicating any 10 consecutive bases within chr21:34,834,617-34,834,630 gives the same sequence; the position shown is the placement nearest the transcript's 3' end. VCF-style (leftmost placement, unchanged base first): chr21-34834616-A-AGGGAGGGGAG. GRCh37 (hg19) VCF-style: chr21-36206913-A-AGGGAGGGGAG.
Other names: c.533-25CTCCC[4] (NM_001001890.3, NM_001122607.2).
Identifiers: ClinVar variation 1590532 (VCV001590532.11), dbSNP rs2146077409, ClinGen allele CA2580616387.